The following is an entry in ClinVar:

ClinVar aggregate classification (germline): Pathogenic/Likely pathogenic. Review status: criteria provided, multiple submitters, no conflicts (2 of 4 stars). 2 submissions from 2 submitters: Pathogenic (1); Likely pathogenic (1). Last evaluated 2023-10-18.

Conditions:
Cobalamin C disease. Also called: Cobalamin-C methylmalonic acidemia and homocystinuria; Methylmalonic acidemia and homocystinuria cblC type; Methylmalonic aciduria with homocystinuria cblC type; Methylmalonic aciduria and homocystinuria, Vitamin B12-responsive; Vitamin B12 metabolic defect with combined deficiency of methylmalonyl-CoA mutase and homocysteine:methyltetrahydrofolate methyltransferase; methylmalonic aciduria and homocystinuria type cblC. Identifiers: Orphanet 26, Orphanet 79282, MedGen C1848561, MONDO:0010184, OMIM 277400.

Submissions (2):

Labcorp Genetics (formerly Invitae), Labcorp
Classification: Pathogenic for Cobalamin C disease. Last evaluated: 2023-10-18. Review status: criteria provided, single submitter. Criteria: Invitae Variant Classification Sherloc (09022015). Collection method: clinical testing. Allele origin: germline.
Comment: This sequence change affects a donor splice site in intron 1 of the MMACHC gene. It is expected to disrupt RNA splicing. Variants that disrupt the donor or acceptor splice site typically lead to a loss of protein function (PMID: 16199547), and loss-of-function variants in MMACHC are known to be pathogenic (PMID: 16311595). This variant is not present in population databases (gnomAD no frequency). Disruption of this splice site has been observed in individuals with methylmalonic aciduria and homocystinuria (PMID: 16311595, 26563984, 26979128). Algorithms developed to predict the effect of sequence changes on RNA splicing suggest that this variant may disrupt the consensus splice site. For these reasons, this variant has been classified as Pathogenic.

Revvity Omics, Revvity
Classification: Likely pathogenic for Cobalamin C disease. Last evaluated: 2023-06-29. Review status: criteria provided, single submitter. Criteria: ACMG Guidelines, 2015. Collection method: clinical testing. Allele origin: germline.

Literature cited by the submitters: PubMed 16199547 (cited by Labcorp Genetics (formerly Invitae), Labcorp); PubMed 16311595 (cited by Labcorp Genetics (formerly Invitae), Labcorp); PubMed 26563984 (cited by Labcorp Genetics (formerly Invitae), Labcorp); PubMed 26979128 (cited by Labcorp Genetics (formerly Invitae), Labcorp).

NM_015506.3(MMACHC):c.81+1G>C

Gene: MMACHC (metabolism of cobalamin associated C; plus strand). Cytogenetic location: 1p34.1.
Variant type: single nucleotide variant.
Coding change: c.81+1G>C on transcript NM_015506.3 (MANE Select); the canonical splice donor site of the intron after coding-DNA position 81, G replaced by C.
Molecular consequence: splice donor variant.
Genome position (GRCh38, 1-based): chr1:45,500,414, G>C. VCF-style: chr1-45500414-G-C. GRCh37 (hg19) VCF-style: chr1-45966086-G-C.
Other names: c.-142+1G>C (NM_001330540.2).
Identifiers: ClinVar variation 2690643 (VCV002690643.5), dbSNP rs745366624, ClinGen allele CA340128854.